The following is an entry in ClinVar:

ClinVar aggregate classification (germline): Uncertain significance. Review status: criteria provided, multiple submitters, no conflicts (2 of 4 stars). 2 submissions from 2 submitters: Uncertain significance (2). Last evaluated 2024-07-29.

Allele frequency attached by ClinVar (database versions not stated): gnomAD 0.00002; TOPMed 0.00003; gnomAD exomes 0.00005; ExAC 0.00006; ESP Exome Variant Server 0.00008.
gnomAD v4.1: 73 of 1,614,074 alleles (0.0045%); highest among the groups gnomAD compares: Middle Eastern, 0.016%; no homozygotes.

Submissions (2):

Blueprint Genetics
Classification: Uncertain significance. Last evaluated: 2024-07-29. Review status: criteria provided, single submitter. Criteria: ACMG Guidelines, 2015. Collection method: clinical testing. Allele origin: germline.

Labcorp Genetics (formerly Invitae), Labcorp
Classification: Uncertain significance. Last evaluated: 2022-02-07. Review status: criteria provided, single submitter. Criteria: Invitae Variant Classification Sherloc (09022015). Collection method: clinical testing. Allele origin: germline.
Comment: This sequence change replaces arginine, which is basic and polar, with glutamine, which is neutral and polar, at codon 421 of the ADAMTS17 protein (p.Arg421Gln). This variant is present in population databases (rs377436249, gnomAD 0.007%). This variant has not been reported in the literature in individuals affected with ADAMTS17-related conditions. Algorithms developed to predict the effect of missense changes on protein structure and function are either unavailable or do not agree on the potential impact of this missense change (SIFT: "Not Available"; PolyPhen-2: "Probably Damaging"; Align-GVGD: "Not Available"). In summary, the available evidence is currently insufficient to determine the role of this variant in disease. Therefore, it has been classified as a Variant of Uncertain Significance.

NM_139057.4(ADAMTS17):c.1262G>A (p.Arg421Gln)

Gene: ADAMTS17 (ADAM metallopeptidase with thrombospondin type 1 motif 17; minus strand). Cytogenetic location: 15q26.3.
Variant type: single nucleotide variant.
Coding change: c.1262G>A on transcript NM_139057.4 (MANE Select); coding-DNA position 1262, G replaced by A.
Protein change: p.Arg421Gln; replaces arginine 421 with glutamine.
Molecular consequence: missense variant.
Genome position (GRCh38, 1-based): chr15:100,155,240, C>T on the plus strand (G>A on the coding strand, the complement: ADAMTS17 is on the minus strand). VCF-style: chr15-100155240-C-T. GRCh37 (hg19) VCF-style: chr15-100695445-C-T.
Other names: short protein forms R421Q.
Identifiers: ClinVar variation 2180833 (VCV002180833.2), dbSNP rs377436249, ClinGen allele CA7758324.